The following is an entry in ClinVar:

NM_000383.4(AIRE):c.1460T>C (p.Val487Ala)

Gene: AIRE (autoimmune regulator; plus strand). Cytogenetic location: 21q22.3.
Variant type: single nucleotide variant.
Coding change: c.1460T>C on transcript NM_000383.4 (MANE Select); coding-DNA position 1460, T replaced by C.
Protein change: p.Val487Ala; replaces valine 487 with alanine.
Molecular consequence: missense variant.
Genome position (GRCh38, 1-based): chr21:44,294,460, T>C. VCF-style: chr21-44294460-T-C. GRCh37 (hg19) VCF-style: chr21-45714343-T-C.
Other names: short protein forms V487A.
Identifiers: ClinVar variation 2764646 (VCV002764646.3), dbSNP rs1435765057, ClinGen allele CA410425958.
Genomic context (GRCh38, chr21:44,294,460, plus strand): 5'-GGACGGGCCTGCGCTGCAGATCCTGCTCAGGAGACGTGACCCCAGCCCCTGTGGAGGGGG[T>C]GCTGGCCCCCAGCCCCGCCCGCCTGGCCCCTGGGCCTGCCAAGGTCAGTGCCGCAGGGGC-3'
Protein context (NP_000374.1, residues 477-497): GDVTPAPVEG[Val487Ala]LAPSPARLAP

ClinVar aggregate classification (germline): Uncertain significance (1 of 4 stars; one submission).

Conditions:
Polyglandular autoimmune syndrome, type 1 (APS1). Also called: Autoimmune polyendocrinopathy syndrome , type I, with or without reversible metaphyseal dysplasia; Whitaker syndrome; Autoimmune polyendocrinopathy syndrome, type I; AUTOIMMUNE POLYENDOCRINE SYNDROME, TYPE I, WITH OR WITHOUT REVERSIBLE METAPHYSEAL DYSPLASIA; APS I; HYPOADRENOCORTICISM WITH HYPOPARATHYROIDISM AND SUPERFICIAL MONILIASIS. Identifiers: Orphanet 3453, MedGen C0085859, MONDO:0009411, OMIM 240300.

Allele frequency attached by ClinVar (database versions not stated): gnomAD exomes below 0.00001.

Submission:

Labcorp Genetics (formerly Invitae), Labcorp
Classification: Uncertain significance for Polyglandular autoimmune syndrome, type 1. Last evaluated: 2023-10-09. Review status: criteria provided, single submitter. Criteria: Invitae Variant Classification Sherloc (09022015). Collection method: clinical testing. Allele origin: germline.
Comment: This sequence change replaces valine, which is neutral and non-polar, with alanine, which is neutral and non-polar, at codon 487 of the AIRE protein (p.Val487Ala). The frequency data for this variant in the population databases is considered unreliable, as metrics indicate poor data quality at this position in the gnomAD database. This variant has not been reported in the literature in individuals affected with AIRE-related conditions. Advanced modeling of protein sequence and biophysical properties (such as structural, functional, and spatial information, amino acid conservation, physicochemical variation, residue mobility, and thermodynamic stability) performed at Invitae indicates that this missense variant is not expected to disrupt AIRE protein function. In summary, the available evidence is currently insufficient to determine the role of this variant in disease. Therefore, it has been classified as a Variant of Uncertain Significance.